The following is an entry in ClinVar:

NM_001122659.3(EDNRB):c.*903G>A

Genes: EDNRB (endothelin receptor type B; minus strand), EDNRB-AS1 (EDNRB antisense RNA 1; plus strand). Cytogenetic location: 13q22.3.
Variant type: single nucleotide variant.
Coding change: c.*903G>A on transcript NM_001122659.3 (MANE Select); 903 bases downstream of the stop codon, G replaced by A.
Molecular consequence: 3 prime UTR variant. On other transcripts: intron variant (1).
Genome position (GRCh38, 1-based): chr13:77,897,297, C>T on the plus strand (G>A on the coding strand, the complement: EDNRB is on the minus strand). VCF-style: chr13-77897297-C-T. GRCh37 (hg19) VCF-style: chr13-78471432-C-T.
Other names: c.*903G>A (NM_000115.5, NM_001201397.2); c.1195-739G>A (NM_003991.4).
Identifiers: ClinVar variation 312464 (VCV000312464.5), dbSNP rs9600947, ClinGen allele CA10634518.

ClinVar aggregate classification (germline): Likely benign (1 of 4 stars; one submission).

Conditions:
Hirschsprung disease, susceptibility to, 2. Identifiers: Orphanet 388, MedGen C1838564, MONDO:0010833, OMIM 600155.

Allele frequency attached by ClinVar (database versions not stated): 1000 Genomes Project 30x 0.01062; gnomAD 0.01157 and 0.01207; 1000 Genomes Project 0.01178; gnomAD exomes 0.01851; TOPMed 0.01040.
gnomAD v4.1: 17,359 of 984,998 alleles (1.8%); highest among the groups gnomAD compares: South Asian, 3.1%; 197 homozygotes.

Submission:

Illumina Laboratory Services, Illumina
Classification: Likely benign for Hirschsprung disease, susceptibility to, 2. Last evaluated: 2018-01-12. Review status: criteria provided, single submitter. Criteria: ICSL Variant Classification Criteria 13 December 2019. Collection method: clinical testing. Allele origin: germline.
Comment: This variant was observed in the ICSL laboratory as part of a predisposition screen in an ostensibly healthy population. It had not been previously curated by ICSL or reported in the Human Gene Mutation Database (HGMD: prior to June 1st, 2018), and was therefore a candidate for classification through an automated scoring system. Utilizing variant allele frequency, disease prevalence and penetrance estimates, and inheritance mode, an automated score was calculated to assess if this variant is too frequent to cause the disease. Based on the score and internal cut-off values, a variant classified as likely benign is not then subjected to further curation. The score for this variant resulted in a classification of likely benign for this disease.